The following is an entry in ClinVar:

NM_002439.5(MSH3):c.610G>C (p.Gly204Arg)

Gene: MSH3 (mutS homolog 3; plus strand). Cytogenetic location: 5q14.1.
Variant type: single nucleotide variant.
Coding change: c.610G>C on transcript NM_002439.5 (MANE Select); coding-DNA position 610, G replaced by C.
Protein change: p.Gly204Arg; replaces glycine 204 with arginine.
Molecular consequence: missense variant.
Genome position (GRCh38, 1-based): chr5:80,670,127, G>C. VCF-style: chr5-80670127-G-C. GRCh37 (hg19) VCF-style: chr5-79965946-G-C.
Other names: c.610G>C (NM_002439.3); short protein forms G204R.
Identifiers: ClinVar variation 1467975 (VCV001467975.10), dbSNP rs2112812169, ClinGen allele CA360265958.

ClinVar aggregate classification (germline): Uncertain significance. Review status: criteria provided, multiple submitters, no conflicts (2 of 4 stars). 3 submissions from 3 submitters: Uncertain significance (3). Last evaluated 2024-08-02.

Conditions:
Hereditary cancer-predisposing syndrome. Also called: Tumor predisposition; Hereditary Cancer Syndrome; Hereditary neoplastic syndrome; Neoplastic Syndromes, Hereditary. Identifiers: Orphanet 140162, MedGen C0027672, MeSH D009386, MONDO:0015356.
Endometrial carcinoma. Also called: Endometrial carcinoma, somatic. Identifiers: MedGen C0476089, MONDO:0002447, OMIM 608089, HP:0012114.

Allele frequency attached by ClinVar (database versions not stated): gnomAD exomes below 0.00001.
gnomAD v4.1: 2 of 1,614,010 alleles (0.00012%); highest among the groups gnomAD compares: Non-Finnish European, 0.00017%; no homozygotes.

Submissions (3):

Ambry Genetics
Classification: Uncertain significance for Hereditary cancer-predisposing syndrome. Last evaluated: 2024-08-02. Review status: criteria provided, single submitter. Criteria: Ambry Variant Classification Scheme 2023. Collection method: clinical testing. Allele origin: germline.
Comment: The p.G204R variant (also known as c.610G>C), located in coding exon 4 of the MSH3 gene, results from a G to C substitution at nucleotide position 610. The glycine at codon 204 is replaced by arginine, an amino acid with dissimilar properties. This amino acid position is not well conserved in available vertebrate species. In addition, this alteration is predicted to be tolerated by in silico analysis. Based on the available evidence, the clinical significance of this variant remains unclear.

Labcorp Genetics (formerly Invitae), Labcorp
Classification: Uncertain significance. Last evaluated: 2024-04-22. Review status: criteria provided, single submitter. Criteria: Invitae Variant Classification Sherloc (09022015). Collection method: clinical testing. Allele origin: germline.
Comment: This sequence change replaces glycine, which is neutral and non-polar, with arginine, which is basic and polar, at codon 204 of the MSH3 protein (p.Gly204Arg). This variant is not present in population databases (gnomAD no frequency). This variant has not been reported in the literature in individuals affected with MSH3-related conditions. ClinVar contains an entry for this variant (Variation ID: 1467975). An algorithm developed to predict the effect of missense changes on protein structure and function (PolyPhen-2) suggests that this variant is likely to be tolerated. In summary, the available evidence is currently insufficient to determine the role of this variant in disease. Therefore, it has been classified as a Variant of Uncertain Significance.

Baylor Genetics
Classification: Uncertain significance for Endometrial carcinoma. Last evaluated: 2023-08-15. Review status: criteria provided, single submitter. Criteria: ACMG Guidelines, 2015. Collection method: clinical testing. Allele origin: unknown.